The following is an entry in ClinVar:

NM_020754.4(ARHGAP31):c.2463G>C (p.Gln821His)

Gene: ARHGAP31 (Rho GTPase activating protein 31; plus strand). Cytogenetic location: 3q13.33.
Variant type: single nucleotide variant.
Coding change: c.2463G>C on transcript NM_020754.4 (MANE Select); coding-DNA position 2463, G replaced by C.
Protein change: p.Gln821His; replaces glutamine 821 with histidine.
Molecular consequence: missense variant.
Genome position (GRCh38, 1-based): chr3:119,414,392, G>C. VCF-style: chr3-119414392-G-C. GRCh37 (hg19) VCF-style: chr3-119133239-G-C.
Other names: short protein forms Q821H.
Identifiers: ClinVar variation 1384409 (VCV001384409.21), dbSNP rs748730057, ClinGen allele CA2554045.
Genomic context (GRCh38, chr3:119,414,392, plus strand): 5'-GGGCGGCCCGGAAAGAGAAGACTCATCCAGGAAATTGAGGACAGATCTCTACATAGACCA[G>C]CTGAAGTCCCAAGACAGCCCTGAGATCTCTAGCCTCTGTCAGGGAGAGGAGGCAACCCCA-3'
Protein context (NP_065805.2, residues 811-831): RKLRTDLYID[Gln821His]LKSQDSPEIS

ClinVar aggregate classification (germline): Uncertain significance. Review status: criteria provided, multiple submitters, no conflicts (2 of 4 stars). 2 submissions from 2 submitters: Uncertain significance (2). Last evaluated 2025-12-18.

Allele frequency attached by ClinVar (database versions not stated): gnomAD exomes below 0.00001; TOPMed below 0.00001; ExAC 0.00001; gnomAD 0.00001.
gnomAD v4.1: 5 of 1,614,116 alleles (0.00031%); highest among the groups gnomAD compares: Middle Eastern, 0.016%; no homozygotes.

Submissions (2):

Labcorp Genetics (formerly Invitae), Labcorp
Classification: Uncertain significance. Last evaluated: 2025-12-18. Review status: criteria provided, single submitter. Criteria: Invitae Variant Classification Sherloc (09022015). Collection method: clinical testing. Allele origin: germline.
Comment: This sequence change replaces glutamine, which is neutral and polar, with histidine, which is basic and polar, at codon 821 of the ARHGAP31 protein (p.Gln821His). This variant is present in population databases (rs748730057, gnomAD 0.0009%). This variant has not been reported in the literature in individuals affected with ARHGAP31-related conditions. ClinVar contains an entry for this variant (Variation ID: 1384409). An algorithm developed to predict the effect of missense changes on protein structure and function outputs the following: PolyPhen-2: "Benign". The histidine amino acid residue is found in multiple mammalian species, which suggests that this missense change does not adversely affect protein function. In summary, the available evidence is currently insufficient to determine the role of this variant in disease. Therefore, it has been classified as a Variant of Uncertain Significance.

CeGaT Center for Human Genetics Tuebingen
Classification: Uncertain significance. Last evaluated: 2025-01-01. Review status: criteria provided, single submitter. Criteria: CeGaT Center For Human Genetics Tuebingen Variant Classification Criteria Version 2. Collection method: clinical testing. Allele origin: germline. Affected: yes. Observed: 1 variant allele.
Comment: ARHGAP31: PM2, BP4